The following is an entry in ClinVar:

NC_000023.10:g.(?_28807451)_(31201031_?)del

Genes: FTHL17 (ferritin heavy chain like 17; minus strand), DMD (dystrophin; minus strand), GK (glycerol kinase; plus strand), IL1RAPL1 (interleukin 1 receptor accessory protein like 1; plus strand), MAGEB1 (MAGE family member B1; plus strand) and 6 more. Cytogenetic location: Xp21.3-21.2.
Variant type: Deletion.
Identifiers: ClinVar variation 2424847 (VCV002424847.4).

ClinVar aggregate classification (germline): Likely pathogenic (1 of 4 stars; one submission).

Conditions:
Duchenne muscular dystrophy (DMD). Also called: Duchenne Muscular Dystrophy (DMD); MUSCULAR DYSTROPHY, PSEUDOHYPERTROPHIC PROGRESSIVE, DUCHENNE TYPE. Identifiers: Orphanet 98896, MedGen C0013264, MONDO:0010679, OMIM 310200.

Submission:

Labcorp Genetics (formerly Invitae), Labcorp
Classification: Likely pathogenic for Duchenne muscular dystrophy. Last evaluated: 2021-09-08. Review status: criteria provided, single submitter. Criteria: Invitae Variant Classification Sherloc (09022015). Collection method: clinical testing. Allele origin: germline.
Comment: This variant is a gross deletion of the genomic region encompassing exon(s) 68-79 of the DMD gene, which includes the termination codon. This deletion extends beyond the assayed region for this gene and therefore may encompass additional genes. While this deletion is not anticipated to lead to nonsense mediated decay, it is expected to alter mRNA translation or result in a truncated protein product. A similar copy number variant has been observed in individual(s) with Duchenne muscular dystrophy (PMID: 31705731). This variant disrupts the p.Cys3313 amino acid residue in DMD. Other variant(s) that disrupt this residue have been determined to be pathogenic (PMID: 12632325; Invitae). This suggests that this residue is clinically significant, and that variants that disrupt this residue are likely to be disease-causing. In summary, the currently available evidence indicates that the variant is pathogenic, but additional data are needed to prove that conclusively. Therefore, this variant has been classified as Likely Pathogenic.

Literature cited by the submitters: PubMed 31705731; PubMed 12632325.